The following is an entry in ClinVar:

ClinVar aggregate classification (germline): Benign/Likely benign. Review status: criteria provided, multiple submitters, no conflicts (2 of 4 stars). 5 submissions from 5 submitters: Benign (1); Likely benign (4). Last evaluated 2026-02-01.

Conditions:
Joubert syndrome 6 (JBTS6). Identifiers: Orphanet 475, MedGen C1853153, MONDO:0012539, OMIM 610688.
RHYNS syndrome. Also called: RETINITIS PIGMENTOSA SYNDROME; RETINITIS PIGMENTOSA, HYPOPITUITARISM, NEPHRONOPHTHISIS, AND MILD SKELETAL DYSPLASIA. Identifiers: Orphanet 140976, MedGen C1865794, MONDO:0011202, OMIM 602152.
Nephronophthisis 11 (NPHP11). Identifiers: Orphanet 84081, MedGen C3150796, MONDO:0013302, OMIM 613550.
Meckel syndrome, type 3 (MKS3). Also called: MECKEL-GRUBER SYNDROME, TYPE 3. Identifiers: Orphanet 564, MedGen C1846357, MONDO:0011821, OMIM 607361.
Bardet-Biedl syndrome 14 (BBS14). Identifiers: Orphanet 110, MedGen C2673874, MONDO:0014442, OMIM 615991.
COACH syndrome 1. Identifiers: Orphanet 1454, MedGen C5435651, MONDO:0800103, OMIM 216360, MONDO:0008996.
Meckel-Gruber syndrome. Also called: Dysencephalia splachnocystica; DYSENCEPHALIA SPLANCHNOCYSTICA; GRUBER SYNDROME. Identifiers: Orphanet 564, MedGen C0265215, MONDO:0018921.
Joubert syndrome. Also called: CEREBELLOPARENCHYMAL DISORDER IV; JOUBERT-BOLTSHAUSER SYNDROME; Familial aplasia of the vermis. Identifiers: Orphanet 475, MedGen C5979921, MONDO:0018772.

Allele frequency attached by ClinVar (database versions not stated): ExAC 0.00169; gnomAD 0.00546 and 0.00585; ESP Exome Variant Server 0.00554; TOPMed 0.00609; 1000 Genomes Project 0.00639; 1000 Genomes Project 30x 0.00671.
gnomAD v4.1: 1,561 of 1,445,568 alleles (0.11%); highest among the groups gnomAD compares: African/African-American, 1.9%; 14 homozygotes.

Submissions (5):

Labcorp Genetics (formerly Invitae), Labcorp
Classification: Benign for Joubert syndrome; Meckel-Gruber syndrome. Last evaluated: 2026-02-01. Review status: criteria provided, single submitter. Criteria: Invitae Variant Classification Sherloc (09022015). Collection method: clinical testing. Allele origin: germline.

Fulgent Genetics
Classification: Likely benign for COACH syndrome 1; RHYNS syndrome; Meckel syndrome, type 3; Joubert syndrome 6; Nephronophthisis 11; Bardet-Biedl syndrome 14. Last evaluated: 2021-07-28. Review status: criteria provided, single submitter. Criteria: ACMG Guidelines, 2015. Collection method: clinical testing. Allele origin: unknown.

GeneDx
Classification: Likely benign. Last evaluated: 2017-06-01. Review status: criteria provided, single submitter. Criteria: GeneDx Variant Classification (06012015). Collection method: clinical testing. Allele origin: germline. Affected: yes.
Comment: This variant is considered likely benign or benign based on one or more of the following criteria: it is a conservative change, it occurs at a poorly conserved position in the protein, it is predicted to be benign by multiple in silico algorithms, and/or has population frequency not consistent with disease.

Center for Pediatric Genomic Medicine, Children's Mercy Hospital and Clinics
Classification: Likely benign. Last evaluated: 2017-05-04. Review status: criteria provided, single submitter. Criteria: ACMG Guidelines, 2015. Collection method: clinical testing. Allele origin: germline.

PreventionGenetics, part of Exact Sciences
Classification: Likely benign. Review status: criteria provided, single submitter. Criteria: ACMG Guidelines, 2015. Collection method: clinical testing. Allele origin: germline.

NM_153704.6(TMEM67):c.506+18G>T

Gene: TMEM67 (transmembrane protein 67; plus strand). Cytogenetic location: 8q22.1.
Variant type: single nucleotide variant.
Coding change: c.506+18G>T on transcript NM_153704.6 (MANE Select); 18 bases into the intron after coding-DNA position 506, G replaced by T.
Molecular consequence: intron variant.
Genome position (GRCh38, 1-based): chr8:93,763,959, G>T. VCF-style: chr8-93763959-G-T. GRCh37 (hg19) VCF-style: chr8-94776187-G-T.
Other names: c.263+18G>T (NM_001142301.1).
Identifiers: ClinVar variation 262752 (VCV000262752.13), dbSNP rs116705535, ClinGen allele CA4807663.
Genomic context (GRCh38, chr8:93,763,959, plus strand): 5'-GAAATGAAAACTCTTTTATGGTAGTAAATGCTTTAGGAGACAGGTAAGCAGTGTGATGGG[G>T]GCTAACTTCATTAATATCATCTTATATTAGTGTATAATTTGTACTTTTAAGAGTGTTTTC-3'